The following is an entry in ClinVar:

NM_002872.5(RAC2):c.239T>C (p.Ile80Thr)

Gene: RAC2 (Rac family small GTPase 2; minus strand). Cytogenetic location: 22q13.1.
Variant type: single nucleotide variant.
Coding change: c.239T>C on transcript NM_002872.5 (MANE Select); coding-DNA position 239, T replaced by C.
Protein change: p.Ile80Thr; replaces isoleucine 80 with threonine.
Molecular consequence: missense variant.
Genome position (GRCh38, 1-based): chr22:37,231,981, A>G on the plus strand (T>C on the coding strand, the complement: RAC2 is on the minus strand). VCF-style: chr22-37231981-A-G. GRCh37 (hg19) VCF-style: chr22-37628021-A-G.
Other names: short protein forms I80T.
Identifiers: ClinVar variation 3604024 (VCV003604024.2).
Genomic context (GRCh38, chr22:37,231,981, plus strand): 5'-GTCCAGCTCACCTTGGCGCGGACGTTCTCATAAGAGGCTGGGCTGACGAGGGAGAAGCAG[A>G]TGAGGAAGACGTCCTGGGGACAGAGCAAGCGAGGTTGCTAGTGAGGAGGGCCCAGAGGTG-3'
Protein context (NP_002863.1, residues 70-90): LSYPQTDVFL[Ile80Thr]CFSLVSPASY

ClinVar aggregate classification (germline): Uncertain significance (1 of 4 stars; one submission).

Conditions:
Neutrophil immunodeficiency syndrome. Also called: Immunodeficiency 73A with defective neutrophil chemotaxis and leukocytosis. Identifiers: Orphanet 183707, MedGen C1842398, MONDO:0011988, OMIM 608203.

gnomAD v4.1: 2 of 1,551,032 alleles (0.00013%); no homozygotes.

Submission:

Labcorp Genetics (formerly Invitae), Labcorp
Classification: Uncertain significance for Neutrophil immunodeficiency syndrome. Last evaluated: 2024-08-27. Review status: criteria provided, single submitter. Criteria: Invitae Variant Classification Sherloc (09022015). Collection method: clinical testing. Allele origin: germline.
Comment: This sequence change replaces isoleucine, which is neutral and non-polar, with threonine, which is neutral and polar, at codon 80 of the RAC2 protein (p.Ile80Thr). The frequency data for this variant in the population databases is considered unreliable, as metrics indicate poor data quality at this position in the gnomAD database. This variant has not been reported in the literature in individuals affected with RAC2-related conditions. Invitae Evidence Modeling of protein sequence and biophysical properties (such as structural, functional, and spatial information, amino acid conservation, physicochemical variation, residue mobility, and thermodynamic stability) indicates that this missense variant is not expected to disrupt RAC2 protein function with a negative predictive value of 95%. In summary, the available evidence is currently insufficient to determine the role of this variant in disease. Therefore, it has been classified as a Variant of Uncertain Significance.